The following is an entry in ClinVar:

NM_001048174.2(MUTYH):c.245A>T (p.Asp82Val)

Gene: MUTYH (mutY DNA glycosylase; minus strand). Cytogenetic location: 1p34.1.
Variant type: single nucleotide variant.
Coding change: c.245A>T on transcript NM_001048174.2 (MANE Select); coding-DNA position 245, A replaced by T.
Protein change: p.Asp82Val; replaces aspartic acid 82 with valine.
Molecular consequence: missense variant. On other transcripts: 5 prime UTR variant (6), non-coding transcript variant (7).
Genome position (GRCh38, 1-based): chr1:45,333,432, T>A on the plus strand (A>T on the coding strand, the complement: MUTYH is on the minus strand). VCF-style: chr1-45333432-T-A. GRCh37 (hg19) VCF-style: chr1-45799104-T-A.
Other names: c.-27A>T (NM_001350650.2, NM_001350651.2, NM_001407082.1); c.320A>T, p.Asp107Val (NM_001407069.1, NM_012222.3); c.245A>T, p.Asp82Val (NM_001407070.1, NM_001407072.1, NM_001048171.2 and 6 more transcripts); c.248A>T, p.Asp83Val (NM_001407071.1, NM_001407078.1, NM_001048172.2 and 2 more transcripts); c.287A>T, p.Asp96Val (NM_001407073.1, NM_001407083.1, NM_001407085.1); c.161A>T, p.Asp54Val (NM_001407075.1); c.278A>T, p.Asp93Val (NM_001407077.1, NM_001293191.2); c.-32A>T (NM_001407091.1, NM_001293192.2, NM_001293196.2); and 3 more; short protein forms D82V, D89V, D110V, D93V, D107V, D83V, D96V, D54V.
Identifiers: ClinVar variation 2715931 (VCV002715931.3), dbSNP rs1570441666, ClinGen allele CA340136367.

ClinVar aggregate classification (germline): Uncertain significance (1 of 4 stars; one submission).

Conditions:
Familial adenomatous polyposis 2. Also called: COLORECTAL ADENOMATOUS POLYPOSIS, AUTOSOMAL RECESSIVE; ADENOMAS, MULTIPLE COLORECTAL, AUTOSOMAL RECESSIVE; FAP type 2; MUTYH Polyposis; MYH-associated polyposis; Adenomas, multiple colorectal. Identifiers: Orphanet 220460, Orphanet 247798, MedGen C3272841, MONDO:0012041, OMIM 608456.

Submission:

Labcorp Genetics (formerly Invitae), Labcorp
Classification: Uncertain significance for Familial adenomatous polyposis 2. Last evaluated: 2023-06-15. Review status: criteria provided, single submitter. Criteria: Invitae Variant Classification Sherloc (09022015). Collection method: clinical testing. Allele origin: germline.
Comment: In summary, the available evidence is currently insufficient to determine the role of this variant in disease. Therefore, it has been classified as a Variant of Uncertain Significance. An algorithm developed to predict the effect of missense changes on protein structure and function (PolyPhen-2) suggests that this variant is likely to be disruptive. This variant has not been reported in the literature in individuals affected with MUTYH-related conditions. This variant is not present in population databases (gnomAD no frequency). This sequence change replaces aspartic acid, which is acidic and polar, with valine, which is neutral and non-polar, at codon 110 of the MUTYH protein (p.Asp110Val).